The following is an entry in ClinVar:

ClinVar aggregate classification (germline): Uncertain significance (1 of 4 stars; one submission).

Allele frequency attached by ClinVar (database versions not stated): ExAC 0.00001; gnomAD 0.00001; gnomAD exomes 0.00001.
gnomAD v4.1: 11 of 1,613,922 alleles (0.00068%); highest among the groups gnomAD compares: Admixed American, 0.0017%; no homozygotes.

Submission:

GeneDx
Classification: Uncertain significance. Last evaluated: 2022-03-16. Review status: criteria provided, single submitter. Criteria: GeneDx Variant Classification Process June 2021. Collection method: clinical testing. Allele origin: germline. Affected: yes.
Comment: In silico analysis supports that this missense variant has a deleterious effect on protein structure/function; Has not been previously published as pathogenic or benign to our knowledge

NM_032888.4(COL27A1):c.5189C>T (p.Thr1730Met)

Gene: COL27A1 (collagen type XXVII alpha 1 chain; plus strand). Cytogenetic location: 9q32.
Variant type: single nucleotide variant.
Coding change: c.5189C>T on transcript NM_032888.4 (MANE Select); coding-DNA position 5189, C replaced by T.
Protein change: p.Thr1730Met; replaces threonine 1730 with methionine.
Molecular consequence: missense variant.
Genome position (GRCh38, 1-based): chr9:114,307,750, C>T. VCF-style: chr9-114307750-C-T. GRCh37 (hg19) VCF-style: chr9-117070030-C-T.
Other names: short protein forms T1730M.
Identifiers: ClinVar variation 1706324 (VCV001706324.2), dbSNP rs769674237, ClinGen allele CA5203324.
Genomic context (GRCh38, chr9:114,307,750, plus strand): 5'-ACCTTGGCTGCTCCTCTGACACCATCGAGGTCTCCTGCAACTTCACTCATGGTGGACAGA[C>T]GTGTCTCAAGCCCATCACGGCCTCCAAGGTACCCATCAGCTCCCACACTGCCCACCAGGC-3'
Protein context (NP_116277.2, residues 1720-1740): VSCNFTHGGQ[Thr1730Met]CLKPITASKV